The following is an entry in ClinVar:

ClinVar aggregate classification (germline): Uncertain significance (1 of 4 stars; one submission).

gnomAD v4.1: 8 of 1,614,052 alleles (0.0005%); highest among the groups gnomAD compares: East Asian, 0.016%; no homozygotes.

Submission:

Labcorp Genetics (formerly Invitae), Labcorp
Classification: Uncertain significance. Last evaluated: 2025-06-09. Review status: criteria provided, single submitter. Criteria: Invitae Variant Classification Sherloc (09022015). Collection method: clinical testing. Allele origin: germline.
Comment: This sequence change replaces glutamic acid, which is acidic and polar, with aspartic acid, which is acidic and polar, at codon 733 of the MYH3 protein (p.Glu733Asp). This variant is present in population databases (no rsID available, gnomAD 0.02%). This variant has not been reported in the literature in individuals affected with MYH3-related conditions. Invitae Evidence Modeling of protein sequence and biophysical properties (such as structural, functional, and spatial information, amino acid conservation, physicochemical variation, residue mobility, and thermodynamic stability) indicates that this missense variant is not expected to disrupt MYH3 protein function with a negative predictive value of 95%. In summary, the available evidence is currently insufficient to determine the role of this variant in disease. Therefore, it has been classified as a Variant of Uncertain Significance.

NM_002470.4(MYH3):c.2199G>C (p.Glu733Asp)

Gene: MYH3 (myosin heavy chain 3; minus strand). Cytogenetic location: 17p13.1.
Variant type: single nucleotide variant.
Coding change: c.2199G>C on transcript NM_002470.4 (MANE Select); coding-DNA position 2199, G replaced by C.
Protein change: p.Glu733Asp; replaces glutamic acid 733 with aspartic acid.
Molecular consequence: missense variant.
Genome position (GRCh38, 1-based): chr17:10,640,653, C>G on the plus strand (G>C on the coding strand, the complement: MYH3 is on the minus strand). VCF-style: chr17-10640653-C-G. GRCh37 (hg19) VCF-style: chr17-10543970-C-G.
Other names: short protein forms E733D.
Identifiers: ClinVar variation 4690937 (VCV004690937.1).